The following is an entry in ClinVar:

NM_182760.4(SUMF1):c.661G>A (p.Ala221Thr)

Gene: SUMF1 (sulfatase modifying factor 1; minus strand). Cytogenetic location: 3p26.1.
Variant type: single nucleotide variant.
Coding change: c.661G>A on transcript NM_182760.4 (MANE Select); coding-DNA position 661, G replaced by A.
Protein change: p.Ala221Thr; replaces alanine 221 with threonine.
Molecular consequence: missense variant.
Genome position (GRCh38, 1-based): chr3:4,418,074, C>T on the plus strand (G>A on the coding strand, the complement: SUMF1 is on the minus strand). VCF-style: chr3-4418074-C-T. GRCh37 (hg19) VCF-style: chr3-4459758-C-T.
Other names: c.586G>A, p.Ala196Thr (NM_001164674.2); c.661G>A, p.Ala221Thr (NM_001164675.2); c.661G>A (NM_182760.3); short protein forms A221T, A196T.
Identifiers: ClinVar variation 1354950 (VCV001354950.6), dbSNP rs764755839, ClinGen allele CA2230507.

ClinVar aggregate classification (germline): Uncertain significance. Review status: criteria provided, single submitter (1 of 4 stars). 2 submissions from 2 submitters: Uncertain significance (1). 1 of the submissions does not count toward it. Last evaluated 2021-08-31.

Conditions:
Multiple sulfatase deficiency (MSD). Also called: Mucosulfatidosis; Multiple Sulfatase Deficiency Disease; Sulfatidosis, Juvenile, Austin Type. Identifiers: Orphanet 585, MedGen C0268263, MONDO:0010088, OMIM 272200.

Allele frequency attached by ClinVar (database versions not stated): gnomAD exomes below 0.00001; ExAC 0.00001; gnomAD 0.00001.

Submissions (2):

Labcorp Genetics (formerly Invitae), Labcorp
Classification: Uncertain significance for Multiple sulfatase deficiency. Last evaluated: 2021-08-31. Review status: criteria provided, single submitter. Criteria: Invitae Variant Classification Sherloc (09022015). Collection method: clinical testing. Allele origin: germline.
Comment: This sequence change replaces alanine with threonine at codon 221 of the SUMF1 protein (p.Ala221Thr). The alanine residue is highly conserved and there is a small physicochemical difference between alanine and threonine. This variant is present in population databases (rs764755839, ExAC 0.01%). This variant has not been reported in the literature in individuals affected with SUMF1-related conditions. Algorithms developed to predict the effect of missense changes on protein structure and function are either unavailable or do not agree on the potential impact of this missense change (SIFT: "Tolerated"; PolyPhen-2: "Possibly Damaging"; Align-GVGD: "Class C0"). In summary, the available evidence is currently insufficient to determine the role of this variant in disease. Therefore, it has been classified as a Variant of Uncertain Significance.

Natera, Inc.
Classification: Uncertain significance for Multiple sulfatase deficiency. Last evaluated: 2025-04-28. Review status: no assertion criteria provided. Collection method: clinical testing. Allele origin: germline. Not counted in ClinVar's aggregate classification.